The following is an entry in ClinVar:

ClinVar aggregate classification (germline): Uncertain significance (1 of 4 stars; one submission).

Submission:

Labcorp Genetics (formerly Invitae), Labcorp
Classification: Uncertain significance. Last evaluated: 2022-08-30. Review status: criteria provided, single submitter. Criteria: Invitae Variant Classification Sherloc (09022015). Collection method: clinical testing. Allele origin: germline.
Comment: In summary, the available evidence is currently insufficient to determine the role of this variant in disease. Therefore, it has been classified as a Variant of Uncertain Significance. Algorithms developed to predict the effect of sequence changes on RNA splicing suggest that this variant may disrupt the consensus splice site. This variant has not been reported in the literature in individuals affected with CAMK2B-related conditions. This variant is not present in population databases (gnomAD no frequency). This sequence change affects a donor splice site in intron 2 of the CAMK2B gene. It is expected to disrupt RNA splicing. Variants that disrupt the donor or acceptor splice site typically lead to a loss of protein function (PMID: 16199547), however the current clinical and genetic evidence is not sufficient to establish whether loss-of-function variants in CAMK2B cause disease.

Literature cited by the submitters: PubMed 16199547.

NM_001220.5(CAMK2B):c.160+1G>A

Gene: CAMK2B (calcium/calmodulin dependent protein kinase II beta; minus strand). Cytogenetic location: 7p13.
Variant type: single nucleotide variant.
Coding change: c.160+1G>A on transcript NM_001220.5 (MANE Select); the canonical splice donor site of the intron after coding-DNA position 160, G replaced by A.
Molecular consequence: splice donor variant.
Genome position (GRCh38, 1-based): chr7:44,284,130, C>T on the plus strand (G>A on the coding strand, the complement: CAMK2B is on the minus strand). VCF-style: chr7-44284130-C-T. GRCh37 (hg19) VCF-style: chr7-44323729-C-T.
Other names: c.160+1G>A (NM_172084.3, NM_172080.3, NM_172083.3 and 5 more transcripts).
Identifiers: ClinVar variation 2027973 (VCV002027973.4), dbSNP rs2487962948, ClinGen allele CA367379424.